The following is an entry in ClinVar:

ClinVar aggregate classification (germline): Pathogenic (1 of 4 stars; one submission).

Conditions:
Familial meningioma. Also called: Meningioma, familial, susceptibility to. Identifiers: Orphanet 263662, MedGen C3551915, MONDO:0011789, OMIM 607174.

Submission:

Labcorp Genetics (formerly Invitae), Labcorp
Classification: Pathogenic for Familial meningioma. Last evaluated: 2025-10-19. Review status: criteria provided, single submitter. Criteria: Invitae Variant Classification Sherloc (09022015). Collection method: clinical testing. Allele origin: germline.
Comment: This sequence change creates a premature translational stop signal (p.Arg105*) in the SMARCE1 gene. It is expected to result in an absent or disrupted protein product. Loss-of-function variants in SMARCE1 are known to be pathogenic (PMID: 23377182). This variant is not present in population databases (gnomAD no frequency). This variant has not been reported in the literature in individuals affected with SMARCE1-related conditions. ClinVar contains an entry for this variant (Variation ID: 407072). For these reasons, this variant has been classified as Pathogenic.

Literature cited by the submitters: PubMed 23377182.

NM_003079.5(SMARCE1):c.313C>T (p.Arg105Ter)

Gene: SMARCE1 (SWI/SNF related BAF chromatin remodeling complex subunit E1; minus strand). Cytogenetic location: 17q21.2.
Variant type: single nucleotide variant.
Coding change: c.313C>T on transcript NM_003079.5 (MANE Select); coding-DNA position 313, C replaced by T.
Protein change: p.Arg105Ter; replaces arginine 105 with a stop codon.
Molecular consequence: nonsense.
Genome position (GRCh38, 1-based): chr17:40,636,451, G>A on the plus strand (C>T on the coding strand, the complement: SMARCE1 is on the minus strand). VCF-style: chr17-40636451-G-A. GRCh37 (hg19) VCF-style: chr17-38792703-G-A.
Other names: short protein forms R105*.
Identifiers: ClinVar variation 407072 (VCV000407072.7), dbSNP rs1060501395, ClinGen allele CA16615351.